The following is an entry in ClinVar:

NM_000429.3(MAT1A):c.394G>T (p.Ala132Ser)

Gene: MAT1A (methionine adenosyltransferase 1A; minus strand). Cytogenetic location: 10q22.3.
Variant type: single nucleotide variant.
Coding change: c.394G>T on transcript NM_000429.3 (MANE Select); coding-DNA position 394, G replaced by T.
Protein change: p.Ala132Ser; replaces alanine 132 with serine.
Molecular consequence: missense variant.
Genome position (GRCh38, 1-based): chr10:80,280,691, C>A on the plus strand (G>T on the coding strand, the complement: MAT1A is on the minus strand). VCF-style: chr10-80280691-C-A. GRCh37 (hg19) VCF-style: chr10-82040447-C-A.
Other names: short protein forms A132S.
Identifiers: ClinVar variation 999087 (VCV000999087.11), dbSNP rs774769057, ClinGen allele CA5576812.
Genomic context (GRCh38, chr10:80,280,691, plus strand): 5'-CTTTCCCAGCCAGCTCAACACACAGCTCCCACATGCAGTGCCGAGCTACCTGATCTCCTG[C>A]CCCCACATCCTCCTCATTTCTGTCCAGATGGACGCACTGGGCAATATCTGGGGATTGCTG-3'
Protein context (NP_000420.1, residues 122-142): HLDRNEEDVG[Ala132Ser]GDQGLMFGYA

ClinVar aggregate classification (germline): Uncertain significance (1 of 4 stars; one submission).

Conditions:
Hepatic methionine adenosyltransferase deficiency. Also called: MAT I/III DEFICIENCY; Isolated Persistent Hypermethioninemia; Methionine adenosyltransferase deficiency; Deficiency of methionine adenosyltransferase. Identifiers: Orphanet 168598, MedGen C0268621, MeSH C564683, MONDO:0009607, OMIM 250850.

Allele frequency attached by ClinVar (database versions not stated): gnomAD exomes below 0.00001; ExAC 0.00001.

Submission:

Labcorp Genetics (formerly Invitae), Labcorp
Classification: Uncertain significance for Hepatic methionine adenosyltransferase deficiency. Last evaluated: 2020-02-17. Review status: criteria provided, single submitter. Criteria: Invitae Variant Classification Sherloc (09022015). Collection method: clinical testing. Allele origin: germline.
Comment: Algorithms developed to predict the effect of sequence changes on RNA splicing suggest that this variant may create or strengthen a splice site, but this prediction has not been confirmed by published transcriptional studies. In summary, the available evidence is currently insufficient to determine the role of this variant in disease. Therefore, it has been classified as a Variant of Uncertain Significance. Algorithms developed to predict the effect of missense changes on protein structure and function (SIFT, PolyPhen-2, Align-GVGD) all suggest that this variant is likely to be disruptive, but these predictions have not been confirmed by published functional studies and their clinical significance is uncertain. This sequence change replaces alanine with serine at codon 132 of the MAT1A protein (p.Ala132Ser). The alanine residue is highly conserved and there is a moderate physicochemical difference between alanine and serine. This variant is present in population databases (rs774769057, ExAC 0.01%). This variant has not been reported in the literature in individuals with MAT1A-related conditions.